The following is an entry in ClinVar:

NM_007294.4(BRCA1):c.235T>G (p.Phe79Val)

Gene: BRCA1 (BRCA1 DNA repair associated; minus strand). Cytogenetic location: 17q21.31.
Variant type: single nucleotide variant.
Coding change: c.235T>G on transcript NM_007294.4 (MANE Select); coding-DNA position 235, T replaced by G.
Protein change: p.Phe79Val; replaces phenylalanine 79 with valine.
Molecular consequence: missense variant. On other transcripts: non-coding transcript variant (1).
Genome position (GRCh38, 1-based): chr17:43,104,934, A>C on the plus strand (T>G on the coding strand, the complement: BRCA1 is on the minus strand). VCF-style: chr17-43104934-A-C. GRCh37 (hg19) VCF-style: chr17-41256951-A-C.
Other names: c.25T>G, p.Phe9Val (NM_001407571.1, NM_001407853.1, NM_001407879.1 and 58 more transcripts); c.235T>G, p.Phe79Val (NM_001407581.1, NM_001407582.1, NM_001407583.1 and 168 more transcripts); c.157T>G, p.Phe53Val (NM_001407653.1, NM_001407654.1, NM_001407655.1 and 21 more transcripts); c.94T>G, p.Phe32Val (NM_001407692.1, NM_001407694.1, NM_001407695.1 and 99 more transcripts); c.-147T>G (NM_001407959.1, NM_001407960.1, NM_001407962.1 and 4 more transcripts); c.103T>G, p.Phe35Val (NM_001408451.1); short protein forms F79V, F32V, F53V, F9V, F35V.
Identifiers: ClinVar variation 662065 (VCV000662065.13), dbSNP rs1597898362, ClinGen allele CA10601689.

ClinVar aggregate classification (germline): Conflicting classifications of pathogenicity. Review status: criteria provided, conflicting classifications (1 of 4 stars). 2 submissions from 2 submitters: Uncertain significance (1); Likely benign (1). Last evaluated 2023-06-27.

Conditions:
Hereditary breast ovarian cancer syndrome. Also called: Hereditary breast and ovarian cancer syndrome (HBOC); Hereditary breast and ovarian cancer; BRCA1- and BRCA2-Associated Hereditary Breast and Ovarian Cancer; Breast and ovarian cancer; Hereditary breast and ovarian cancer syndrome; Hereditary breast and/or ovarian cancer syndrome. Identifiers: Orphanet 145, MedGen C0677776, MeSH D061325, MONDO:0003582. Disease mechanism: loss of function.

Submissions (3):

Women's Health and Genetics/Laboratory Corporation of America, LabCorp
Classification: Likely benign. Last evaluated: 2023-06-27. Review status: criteria provided, single submitter. Criteria: LabCorp Variant Classification Summary - May 2015. Collection method: clinical testing. Allele origin: germline.
Comment: Variant summary: BRCA1 c.235T>G (p.Phe79Val) results in a non-conservative amino acid change in the encoded protein sequence. Four of five in-silico tools predict a damaging effect of the variant on protein function. 3/4 computational tools predict no significant impact on normal splicing. However, these predictions have yet to be confirmed by functional studies. The variant was absent in 251192 control chromosomes. The available data on variant occurrences in the general population are insufficient to allow any conclusion about variant significance. To our knowledge, no occurrence of c.235T>G in individuals affected with BRCA1-related conditions has been reported. At least one functional study reports experimental evidence evaluating an impact on protein function and showed no damaging effect of this variant on homology directed repair (HDR) activity (e.g. Findlay_2018). HDR assays qualify as a recognized gold standard on the basis of updated guidance provided by the ClinGen Sequence Variant Interpretation (SVI) working group. This working group has recommended strong functional evidence (ACMG BS3) as sufficient weightage for categorization as likely benign (Tavtigian_2018). The following publication has been ascertained in the context of this evaluation (PMID: 30209399). One submitter has cited clinical-significance assessments for this variant to ClinVar after 2014 and has classified the variant as uncertain significance. Based on the evidence outlined above, the variant was classified as likely benign.

Labcorp Genetics (formerly Invitae), Labcorp
Classification: Uncertain significance for Hereditary breast ovarian cancer syndrome. Last evaluated: 2018-07-12. Review status: criteria provided, single submitter. Criteria: Invitae Variant Classification Sherloc (09022015). Collection method: clinical testing. Allele origin: germline.
Comment: In summary, the available evidence is currently insufficient to determine the role of this variant in disease. Therefore, it has been classified as a Variant of Uncertain Significance. Algorithms developed to predict the effect of sequence changes on RNA splicing suggest that this variant may create or strengthen a splice site, but this prediction has not been confirmed by published transcriptional studies. Algorithms developed to predict the effect of missense changes on protein structure and function are either unavailable or do not agree on the potential impact of this missense change (SIFT: "Deleterious"; PolyPhen-2: "Probably Damaging"; Align-GVGD: "Class C0"). This variant has not been reported in the literature in individuals with BRCA1-related disease. This variant is not present in population databases (ExAC no frequency). This sequence change replaces phenylalanine with valine at codon 79 of the BRCA1 protein (p.Phe79Val). The phenylalanine residue is highly conserved and there is a small physicochemical difference between phenylalanine and valine.

Brotman Baty Institute, University of Washington
No classification provided (evidence only). Condition: Breast-ovarian cancer, familial 1. Review status: no classification provided. Collection method: in vitro. Allele origin: not applicable. Functional consequence: functionally_normal. Not counted in ClinVar's aggregate classification.
ClinVar note: "not provided" was previously submitted as the classification for the variant. However, the classification appeared to be based only on an observation of functional data so it was converted to no classification on 2025-07-30.

Literature cited by the submitters: PubMed 30209399 (cited by Women's Health and Genetics/Laboratory Corporation of America, LabCorp).